The following is an entry in ClinVar:

NM_144687.4(NLRP12):c.2297_2298del (p.Leu766fs)

Gene: NLRP12 (NLR family pyrin domain containing 12; minus strand). Cytogenetic location: 19q13.42.
Variant type: Microsatellite.
Coding change: c.2297_2298del on transcript NM_144687.4 (MANE Select); coding-DNA positions 2297 to 2298, 2 bases deleted (TC; older notation c.2297_2298delTC).
Protein change: p.Leu766fs; shifts the reading frame from leucine 766.
Molecular consequence: frameshift variant.
Genome position (GRCh38, 1-based): chr19:53,805,396-53,805,397, GA deleted on the plus strand (TC on the coding strand, the reverse complement: NLRP12 is on the minus strand); deleting any 2 consecutive bases within chr19:53,805,396-53,805,400 gives the same sequence; the c. name uses the placement nearest the transcript's 3' end. VCF-style (leftmost placement, unchanged base first): chr19-53805395-TGA-T. GRCh37 (hg19) VCF-style: chr19-54308649-TGA-T.
Other names: c.2300_2301del, p.Leu767fs (NM_001277126.2); c.2297_2298del, p.Leu766fs (NM_001277129.1); short protein forms L766fs, L767fs.
Identifiers: ClinVar variation 3338397 (VCV003338397.1).
Genomic context (GRCh38, chr19:53,805,395, plus strand): 5'-TGCCTGGGAATCCAACGCCGTTGCCACTGAGATCCATCCTTGTCAAATTCTTATTGGCTA[TGA>T]GAGCTGCAGAGAGGTCCTCGCAGGCTGAGCTGGAGATGCGGCACCTCTTCAGCCTGGGGT-3'

ClinVar aggregate classification (germline): Uncertain significance (1 of 4 stars; one submission).

Conditions:
Familial cold autoinflammatory syndrome 2 (FCAS2). Identifiers: Orphanet 247868, MedGen C2673198, MONDO:0012724, OMIM 611762.

Submission:

MVZ Medizinische Genetik Mainz
Classification: Uncertain significance for Familial cold autoinflammatory syndrome 2. Last evaluated: 2024-08-08. Review status: criteria provided, single submitter. Criteria: UK Practice Guidelines For Variant Classification V4 01 2020. Collection method: clinical testing. Allele origin: germline. Inheritance: Autosomal dominant inheritance. Affected: yes. Observed: 1 variant allele.
Comment: ACMG Criteria: PVS1_MOD,PM2_SUP